The following is an entry in ClinVar:

ClinVar aggregate classification (germline): Likely benign. Review status: criteria provided, multiple submitters, no conflicts (2 of 4 stars). 3 submissions from 3 submitters: Likely benign (3). Last evaluated 2026-07-02.

Conditions:
Congenital myasthenic syndrome 20. Also called: Myasthenic syndrome, congenital, 20, presynaptic. Identifiers: MedGen C4310694, MONDO:0014939, OMIM 617143.
Neuronopathy, distal hereditary motor, type 7A. Also called: Neuronopathy, distal hereditary motor, type viia; NEURONOPATHY, DISTAL HEREDITARY MOTOR, HARDING TYPE VIIA; NEUROPATHY, DISTAL HEREDITARY MOTOR, HARDING TYPE VIIA; Neuronopathy, distal hereditary motor, autosomal dominant 7; HARPER-YOUNG MYOPATHY; HMN VIIA. Identifiers: Orphanet 139589, MedGen C1834703, MONDO:0008024, OMIM 158580.
SLC5A7-related disorder. Also called: SLC5A7-related condition.

Allele frequency attached by ClinVar (database versions not stated): gnomAD 0.00001; TOPMed 0.00001; gnomAD exomes 0.00002; ESP Exome Variant Server 0.00008.

Submissions (3):

PreventionGenetics, part of Exact Sciences
Classification: Likely benign for SLC5A7-related condition. Last evaluated: 2026-07-02. Review status: criteria provided, single submitter. Criteria: ACMG Guidelines, 2015. Collection method: clinical testing. Allele origin: germline.
Comment: This variant is classified as likely benign based on ACMG/AMP sequence variant interpretation guidelines (Richards et al. 2015 PMID: 25741868, with internal and published modifications).

Labcorp Genetics (formerly Invitae), Labcorp
Classification: Likely benign for Neuronopathy, distal hereditary motor, type 7A; Congenital myasthenic syndrome 20. Last evaluated: 2025-10-27. Review status: criteria provided, single submitter. Criteria: Invitae Variant Classification Sherloc (09022015). Collection method: clinical testing. Allele origin: germline.

Blueprint Genetics
Classification: Likely benign. Last evaluated: 2020-11-06. Review status: criteria provided, single submitter. Criteria: ACMG Guidelines, 2015. Collection method: clinical testing. Allele origin: germline.

NM_021815.5(SLC5A7):c.742-7C>T

Gene: SLC5A7 (solute carrier family 5 member 7; plus strand). Cytogenetic location: 2q12.3.
Variant type: single nucleotide variant.
Coding change: c.742-7C>T on transcript NM_021815.5 (MANE Select); 7 bases into the intron before coding-DNA position 742, C replaced by T.
Molecular consequence: intron variant.
Genome position (GRCh38, 1-based): chr2:108,006,042, C>T. VCF-style: chr2-108006042-C-T. GRCh37 (hg19) VCF-style: chr2-108622498-C-T.
Other names: c.1-7C>T (NM_001305007.3); c.742-7C>T (NM_001305005.3, NM_021815.4); c.427-7C>T (NM_001305006.3).
Identifiers: ClinVar variation 1100995 (VCV001100995.9), dbSNP rs367795192, ClinGen allele CA53968852.